The following is an entry in ClinVar:

NM_024675.4(PALB2):c.3257G>A (p.Arg1086Gln)

Gene: PALB2 (partner and localizer of BRCA2; minus strand). Cytogenetic location: 16p12.2.
Variant type: single nucleotide variant.
Coding change: c.3257G>A on transcript NM_024675.4 (MANE Select); coding-DNA position 3257, G replaced by A.
Protein change: p.Arg1086Gln; replaces arginine 1086 with glutamine.
Molecular consequence: missense variant.
Genome position (GRCh38, 1-based): chr16:23,607,957, C>T on the plus strand (G>A on the coding strand, the complement: PALB2 is on the minus strand). VCF-style: chr16-23607957-C-T. GRCh37 (hg19) VCF-style: chr16-23619278-C-T.
Other names: p.R1086Q:CGA>CAA; NP_078951.2:p.Arg1086Gln; short protein forms R1086Q.
Identifiers: ClinVar variation 142035 (VCV000142035.45), dbSNP rs146377793, ClinGen allele CA294240.

ClinVar aggregate classification (germline): Conflicting classifications of pathogenicity. Review status: criteria provided, conflicting classifications (1 of 4 stars). 17 submissions from 17 submitters: Uncertain significance (10); Benign (1); Likely benign (4). 2 of the submissions do not count toward it. Last evaluated 2026-01-18.

Conditions:
Pancreatic cancer, susceptibility to, 3. Identifiers: Orphanet 1333, MedGen C3150547, MONDO:0013236, OMIM 613348.
Fanconi anemia complementation group N. Also called: PALB2-Related Fanconi Anemia. Identifiers: Orphanet 84, MedGen C1835817, MONDO:0012565, OMIM 610832. Disease mechanism: loss of function.
Breast-ovarian cancer, familial, susceptibility to, 5 (BROVCA5). Identifiers: MedGen C5830615, MONDO:0957530, OMIM 620442.
PALB2-related disorder. Also called: PALB2-related condition; PALB2-related disorders.
Hereditary cancer-predisposing syndrome. Also called: Tumor predisposition; Neoplastic Syndromes, Hereditary; Hereditary neoplastic syndrome; Hereditary Cancer Syndrome. Identifiers: Orphanet 140162, MedGen C0027672, MeSH D009386, MONDO:0015356.
Hereditary breast ovarian cancer syndrome. Also called: Hereditary breast and ovarian cancer syndrome; Hereditary breast and ovarian cancer; Hereditary breast and ovarian cancer syndrome (HBOC); Hereditary breast and/or ovarian cancer syndrome; BRCA1- and BRCA2-Associated Hereditary Breast and Ovarian Cancer; Breast and ovarian cancer. Identifiers: Orphanet 145, MedGen C0677776, MeSH D061325, MONDO:0003582. Disease mechanism: loss of function.
Familial cancer of breast. Also called: BREAST CANCER, FAMILIAL; Hereditary breast cancer; hereditary breast carcinoma. Identifiers: Orphanet 227535, MedGen C0346153, MONDO:0016419, OMIM 114480. Disease mechanism: loss of function.

Allele frequency attached by ClinVar (database versions not stated): gnomAD exomes 0.00003 and 0.00006; ExAC 0.00008; gnomAD 0.00012 and 0.00013; TOPMed 0.00021; ESP Exome Variant Server 0.00031; 1000 Genomes Project 30x 0.00047; 1000 Genomes Project 0.00060.
gnomAD v4.1: 63 of 1,613,978 alleles (0.0039%); highest among the groups gnomAD compares: African/African-American, 0.061%; no homozygotes.

Submissions 1 to 8 of 17:

Labcorp Genetics (formerly Invitae), Labcorp
Classification: Uncertain significance for Familial cancer of breast. Last evaluated: 2026-01-18. Review status: criteria provided, single submitter. Criteria: Invitae Variant Classification Sherloc (09022015). Collection method: clinical testing. Allele origin: germline.
Comment: This sequence change replaces arginine, which is basic and polar, with glutamine, which is neutral and polar, at codon 1086 of the PALB2 protein (p.Arg1086Gln). This variant is present in population databases (rs146377793, gnomAD 0.05%). This missense change has been observed in individual(s) with endometrial cancer and breast cancer (PMID: 27443514, 30287823, 35264596, 35534704). ClinVar contains an entry for this variant (Variation ID: 142035). An algorithm developed to predict the effect of missense changes on protein structure and function outputs the following: PolyPhen-2: "Benign". The glutamine amino acid residue is found in multiple mammalian species, which suggests that this missense change does not adversely affect protein function. RNA analysis performed to evaluate the impact of this missense change on mRNA splicing indicates it does not significantly alter splicing (internal data). In summary, the available evidence is currently insufficient to determine the role of this variant in disease. Therefore, it has been classified as a Variant of Uncertain Significance.

Women's Health and Genetics/Laboratory Corporation of America, LabCorp
Classification: Uncertain significance. Last evaluated: 2026-01-02. Review status: criteria provided, single submitter. Criteria: LabCorp Variant Classification Summary - May 2015. Collection method: clinical testing. Allele origin: germline.
Comment: Variant summary: PALB2 c.3257G>A (p.Arg1086Gln) results in a conservative amino acid change located in the Partner and localiser of BRCA2, WD40 domain of the encoded protein sequence. Algorithms developed to predict the effect of missense changes on protein structure and function all suggest that this variant is likely to be tolerated. The variant allele was found at a frequency of 5.4e-05 in 298942 control chromosomes, predominantly at a frequency of 0.00043 within the African or African-American subpopulation in the gnomAD database. The variant was also reported in 4/2559 African American women (i.e. with an allele frequency of 0.0008), who were older than 70 years and have never had cancer (in the FLOSSIES database). The available data on variant occurrences in the general population are insufficient to allow any conclusion about variant significance. c.3257G>A has been reported in the literature in individuals affected with breast cancer or endometrial carcinoma, however the variant was indicated to not be significantly associated with an increased cancer risk (examples: Haiman 2013, Momozawa 2018, Okawa_2023, Guindalini_2022). To our knowledge, no experimental evidence demonstrating an impact on protein function has been reported. The following publications have been ascertained in the context of this evaluation (PMID: 35264596, 23555315, 30287823, 36243179, 27443514). ClinVar contains an entry for this variant (Variation ID: 142035). Based on the evidence outlined above, the variant was classified as uncertain significance.

PreventionGenetics, part of Exact Sciences
Classification: Uncertain significance for PALB2-related condition. Last evaluated: 2025-12-23. Review status: criteria provided, single submitter. Criteria: ACMG Guidelines, 2015. Collection method: clinical testing. Allele origin: germline.
Comment: The PALB2 c.3257G>A variant is predicted to result in the amino acid substitution p.Arg1086Gln. This variant was identified in a genome-wide association study and was found to have limited evidence for association with breast cancer or prostate cancer (Search rs146377793 in Table S6, Haiman et al. 2013. PubMed ID: 23555315). This variant was also identified in multiple individuals with breast cancer but was classified as uncertain (Supplementary Table 3, Guindalini et al 2022. PubMed ID: 35264596; Supplementary Table 3, de Oliveira et al 2022. PubMed ID: 35534704). This variant was also identified in an individual affected with endometrial cancer but was classified as uncertain (Table S2, Ring et al. 2016. PubMed ID: 27443514). In another study, this variant was identified in the control group, not in the patient group, therefore, it was classified as benign (Supplementary Data 2, Momozawa et al. 2018. PubMed ID: 30287823). This variant is reported in 0.044% of alleles in individuals of African descent in gnomAD and is classified in ClinVar as uncertain or likely benign (Variation ID: 142035). Although we suspect this variant could be benign, the clinical significance of this variant remains uncertain due to the absence of conclusive functional and genetic evidence.

Mendelics
Classification: Likely benign for Familial cancer of breast. Last evaluated: 2025-06-23. Review status: criteria provided, single submitter. Criteria: ACMG Guidelines, 2015. Collection method: clinical testing. Allele origin: unknown.
Comment: This variant is considered likely benign or benign based on one or more of the following: it is predicted to be benign by multiple in silico algorithms, and/or has population frequency not consistent with disease, and/or has normal protein function, and/or has lack of segregation with disease, and/or has been detected in co-occurrence with known pathogenic variant, and/or has lack of disease association in case-control studies, and/or is located in a region inconsistent with a known cause of pathogenicity.

Quest Diagnostics Nichols Institute San Juan Capistrano
Classification: Uncertain significance. Last evaluated: 2024-11-01. Review status: criteria provided, single submitter. Criteria: Quest Diagnostics criteria. Collection method: clinical testing. Allele origin: unknown.
Comment: The PALB2 c.3257G>A (p.Arg1086Gln) variant has been reported in the published literature in individuals with endometrial cancer (PMID: 27443514 (2016)) and breast cancer (PMIDs: 30287823 (2018), 35264596 (2022), 35534704 (2022)). This variant has also been identified in reportedly healthy individuals (PMIDs: 31214711 (2020), 33471991 (2021), 36243179 (2022), see also LOVD). The frequency of this variant in the general population, 0.00044 (11/24954 chromosomes (Genome Aggregation Database)), is uninformative in the assessment of its pathogenicity. Analysis of this variant using bioinformatics tools for the prediction of the effect of amino acid changes on protein structure and function yielded predictions that this variant is benign. Based on the available information, we are unable to determine the clinical significance of this variant.

Fulgent Genetics
Classification: Uncertain significance for Fanconi anemia complementation group N; Pancreatic cancer, susceptibility to, 3; Breast-ovarian cancer, familial, susceptibility to, 5. Last evaluated: 2024-01-04. Review status: criteria provided, single submitter. Criteria: ACMG Guidelines, 2015. Collection method: clinical testing. Allele origin: germline.

GeneDx
Classification: Uncertain significance. Last evaluated: 2023-07-06. Review status: criteria provided, single submitter. Criteria: GeneDx Variant Classification Process June 2021. Collection method: clinical testing. Allele origin: germline. Affected: yes.
Comment: In silico analysis supports that this missense variant does not alter protein structure/function; Case control studies suggest this variant is not significantly associated with breast or prostate cancer (Haiman et al., 2013); Observed in individuals with breast or endometrial cancer (Ring et al., 2016; Momozawa et al., 2018; Guindalini et al., 2022); This variant is associated with the following publications: (PMID: 27443514, 30287823, 33309985, 23555315, 35264596, 33471991, 24485656, 19609323, 20871615, 32980694)

Myriad Genetics, Inc.
Classification: Benign for Familial cancer of breast. Last evaluated: 2023-03-31. Review status: criteria provided, single submitter. Criteria: Myriad Autosomal Dominant, Autosomal Recessive and X-Linked Classification Criteria (2023). Collection method: clinical testing. Allele origin: unknown.
Comment: This variant is considered benign. This variant is strongly associated with less severe personal and family histories of cancer, typical for individuals without pathogenic variants in this gene [PMID: 25085752]. This variant has been observed in trans with a known pathogenic variant in one or more individuals lacking clinical features consistent with gene-specific recessive disease.